The following is an entry in ClinVar:

NM_000426.4(LAMA2):c.7057C>T (p.Arg2353Cys)

Gene: LAMA2 (laminin subunit alpha 2; plus strand). Cytogenetic location: 6q22.33.
Variant type: single nucleotide variant.
Coding change: c.7057C>T on transcript NM_000426.4 (MANE Select); coding-DNA position 7057, C replaced by T.
Protein change: p.Arg2353Cys; replaces arginine 2353 with cysteine.
Molecular consequence: missense variant.
Genome position (GRCh38, 1-based): chr6:129,464,354, C>T. VCF-style: chr6-129464354-C-T. GRCh37 (hg19) VCF-style: chr6-129785499-C-T.
Other names: p.Arg2353Cys; c.7057C>T, p.Arg2353Cys (NM_001079823.2); short protein forms R2353C.
Identifiers: ClinVar variation 355294 (VCV000355294.23), dbSNP rs145885540, ClinGen allele CA3994427.

ClinVar aggregate classification (germline): Conflicting classifications of pathogenicity. Review status: criteria provided, conflicting classifications (1 of 4 stars). 12 submissions from 12 submitters: Uncertain significance (11); Benign (1). Last evaluated 2026-01-19.

Conditions:
LAMA2-related muscular dystrophy (LAMA2-RD). Also called: Laminin alpha 2-related dystrophy. Identifiers: MedGen C5679788, MONDO:0100228.
Congenital muscular dystrophy due to partial LAMA2 deficiency. Identifiers: MedGen C1842898.
Merosin deficient congenital muscular dystrophy (MDC1A). Also called: Congenital merosin-deficient muscular dystrophy 1A; Congenital Muscular Dystrophy Type 1A (MDC1A). Identifiers: Orphanet 258, MedGen C1263858, MONDO:0011925, OMIM 607855.
Muscular dystrophy, limb-girdle, autosomal recessive 23. Identifiers: Orphanet 565837, MedGen C4748327, MONDO:0029136, OMIM 618138.
Primary dilated cardiomyopathy (DCM). Also called: Dilated Cardiomyopathy. Identifiers: Orphanet 217604, MedGen C0007193, MeSH D002311, MONDO:0005021, HP:0001644. Inheritance: Various modes of inheritance.

Allele frequency attached by ClinVar (database versions not stated): ExAC 0.00008; gnomAD exomes 0.00010; TOPMed 0.00014; ESP Exome Variant Server 0.00015; gnomAD 0.00015 and 0.00016.
gnomAD v4.1: 140 of 1,611,254 alleles (0.0087%); highest among the groups gnomAD compares: Middle Eastern, 0.082%; 1 homozygote.

Submissions (12):

Labcorp Genetics (formerly Invitae), Labcorp
Classification: Benign for LAMA2-related muscular dystrophy. Last evaluated: 2026-01-19. Review status: criteria provided, single submitter. Criteria: Invitae Variant Classification Sherloc (09022015). Collection method: clinical testing. Allele origin: germline.

Mayo Clinic Laboratories, Mayo Clinic
Classification: Uncertain significance. Last evaluated: 2025-12-12. Review status: criteria provided, single submitter. Criteria: ACMG Guidelines, 2015. Collection method: clinical testing. Allele origin: germline. Observed: 1 variant allele.
Comment: PM2_supporting, PM3_supporting

GeneDx
Classification: Uncertain significance. Last evaluated: 2025-06-20. Review status: criteria provided, single submitter. Criteria: GeneDx Variant Classification Process June 2021. Collection method: clinical testing. Allele origin: germline. Affected: yes.
Comment: In silico analysis supports that this missense variant has a deleterious effect on protein structure/function; This variant is associated with the following publications: (PMID: 30055037, 31983221, 32403337)

Blueprint Genetics
Classification: Uncertain significance. Last evaluated: 2024-10-02. Review status: criteria provided, single submitter. Criteria: ACMG Guidelines, 2015. Collection method: clinical testing. Allele origin: germline.

Revvity Omics, Revvity
Classification: Uncertain significance. Last evaluated: 2024-08-29. Review status: criteria provided, single submitter. Criteria: ACMG Guidelines, 2015. Collection method: clinical testing. Allele origin: germline.

Genomic Medicine Center of Excellence, King Faisal Specialist Hospital and Research Centre
Classification: Uncertain significance for Merosin deficient congenital muscular dystrophy. Last evaluated: 2024-04-04. Review status: criteria provided, single submitter. Criteria: ACMG Guidelines, 2015. Collection method: clinical testing. Allele origin: germline.

Department of Pathology and Laboratory Medicine, Sinai Health System
Classification: Uncertain significance for Merosin deficient congenital muscular dystrophy; Muscular dystrophy, limb-girdle, autosomal recessive 23. Last evaluated: 2021-10-25. Review status: criteria provided, single submitter. Criteria: ACMG Guidelines, 2015. Collection method: research. Allele origin: germline.

Athena Diagnostics
Classification: Uncertain significance. Last evaluated: 2019-05-29. Review status: criteria provided, single submitter. Criteria: Athena Diagnostics Criteria. Collection method: clinical testing. Allele origin: germline.

Fulgent Genetics
Classification: Uncertain significance for Merosin deficient congenital muscular dystrophy; Muscular dystrophy, limb-girdle, autosomal recessive 23. Last evaluated: 2018-10-31. Review status: criteria provided, single submitter. Criteria: ACMG Guidelines, 2015. Collection method: clinical testing. Allele origin: unknown.

Illumina Laboratory Services, Illumina
Classification: Uncertain significance for Congenital muscular dystrophy due to partial LAMA2 deficiency. Last evaluated: 2018-01-12. Review status: criteria provided, single submitter. Criteria: ICSL Variant Classification Criteria 13 December 2019. Collection method: clinical testing. Allele origin: germline.

Breakthrough Genomics
Classification: Uncertain significance. Review status: criteria provided, single submitter. Criteria: ACMG Guidelines, 2015. Collection method: not provided. Allele origin: germline. Inheritance: Autosomal recessive inheritance. Affected: yes.

Genetics and Genomics Program, Sidra Medicine
Classification: Uncertain significance for Primary dilated cardiomyopathy. Review status: criteria provided, single submitter. Criteria: ACMG Guidelines, 2015. Collection method: research. Allele origin: unknown. Affected: yes. Observed: 1 variant allele.

Literature cited by the submitters: PubMed 31983221 (cited by Mayo Clinic Laboratories, Mayo Clinic); PubMed 32403337 (cited by Mayo Clinic Laboratories, Mayo Clinic).